The following is an entry in ClinVar:

NM_000090.4(COL3A1):c.3908T>G (p.Ile1303Arg)

Gene: COL3A1 (collagen type III alpha 1 chain; plus strand). Cytogenetic location: 2q32.2.
Variant type: single nucleotide variant.
Coding change: c.3908T>G on transcript NM_000090.4 (MANE Select); coding-DNA position 3908, T replaced by G.
Protein change: p.Ile1303Arg; replaces isoleucine 1303 with arginine.
Molecular consequence: missense variant.
Genome position (GRCh38, 1-based): chr2:189,010,262, T>G. VCF-style: chr2-189010262-T-G. GRCh37 (hg19) VCF-style: chr2-189874988-T-G.
Other names: short protein forms I1303R.
Identifiers: ClinVar variation 4750071 (VCV004750071.1).

ClinVar aggregate classification (germline): Uncertain significance (1 of 4 stars; one submission).

Conditions:
Ehlers-Danlos syndrome, type 4 (EDSVASC). Also called: Ehlers-Danlos syndrome vascular type; Ehlers Danlos syndrome, ecchymotic type; Ehlers Danlos syndrome, arterial type; Ehlers Danlos syndrome, Sack-Barabas type; Ehlers-Danlos Syndrome Type IV. Identifiers: Orphanet 286, MedGen C0268338, MONDO:0017314, OMIM 130050.

Submission:

Labcorp Genetics (formerly Invitae), Labcorp
Classification: Uncertain significance for Ehlers-Danlos syndrome, type 4. Last evaluated: 2025-11-24. Review status: criteria provided, single submitter. Criteria: Invitae Variant Classification Sherloc (09022015). Collection method: clinical testing. Allele origin: germline.
Comment: This sequence change replaces isoleucine, which is neutral and non-polar, with arginine, which is basic and polar, at codon 1303 of the COL3A1 protein (p.Ile1303Arg). This variant is not present in population databases (gnomAD no frequency). This variant has not been reported in the literature in individuals affected with COL3A1-related conditions. Invitae Evidence Modeling of protein sequence and biophysical properties (such as structural, functional, and spatial information, amino acid conservation, physicochemical variation, residue mobility, and thermodynamic stability) indicates that this missense variant is not expected to disrupt COL3A1 protein function with a negative predictive value of 95%. In summary, the available evidence is currently insufficient to determine the role of this variant in disease. Therefore, it has been classified as a Variant of Uncertain Significance.